The following is an entry in ClinVar:

NM_006269.2(RP1):c.4742A>G (p.Lys1581Arg)

Gene: RP1 (RP1 axonemal microtubule associated; plus strand). Cytogenetic location: 8q12.1.
Variant type: single nucleotide variant.
Coding change: c.4742A>G on transcript NM_006269.2 (MANE Select); coding-DNA position 4742, A replaced by G.
Protein change: p.Lys1581Arg; replaces lysine 1581 with arginine.
Molecular consequence: missense variant. On other transcripts: intron variant (1).
Genome position (GRCh38, 1-based): chr8:54,628,624, A>G. VCF-style: chr8-54628624-A-G. GRCh37 (hg19) VCF-style: chr8-55541184-A-G.
Other names: c.787+6336A>G (NM_001375654.1); short protein forms K1581R.
Identifiers: ClinVar variation 1364810 (VCV001364810.8), dbSNP rs766323335, ClinGen allele CA370983087.

ClinVar aggregate classification (germline): Uncertain significance (1 of 4 stars; one submission).

gnomAD v4.1: 1 of 1,614,090 alleles (0.000062%); highest among the groups gnomAD compares: African/African-American, 0.0013%; no homozygotes.

Submission:

Labcorp Genetics (formerly Invitae), Labcorp
Classification: Uncertain significance. Last evaluated: 2022-07-12. Review status: criteria provided, single submitter. Criteria: Invitae Variant Classification Sherloc (09022015). Collection method: clinical testing. Allele origin: germline.
Comment: This sequence change replaces lysine, which is basic and polar, with arginine, which is basic and polar, at codon 1581 of the RP1 protein (p.Lys1581Arg). This variant is present in population databases (no rsID available, gnomAD 0.007%). This missense change has been observed in individual(s) with clinical features of retinitis pigmentosa (Invitae). ClinVar contains an entry for this variant (Variation ID: 1364810). Algorithms developed to predict the effect of missense changes on protein structure and function output the following: SIFT: "Tolerated"; PolyPhen-2: "Benign"; Align-GVGD: "Class C0". The arginine amino acid residue is found in multiple mammalian species, which suggests that this missense change does not adversely affect protein function. Algorithms developed to predict the effect of sequence changes on RNA splicing suggest that this variant may create or strengthen a splice site. In summary, the available evidence is currently insufficient to determine the role of this variant in disease. Therefore, it has been classified as a Variant of Uncertain Significance.